The following is an entry in ClinVar:

ClinVar aggregate classification (germline): Uncertain significance (1 of 4 stars; one submission).

Allele frequency attached by ClinVar (database versions not stated): TOPMed 0.00001.
gnomAD v4.1: 2 of 1,225,914 alleles (0.00016%); highest among the groups gnomAD compares: Non-Finnish European, 0.0002%; no homozygotes.

Submission:

Labcorp Genetics (formerly Invitae), Labcorp
Classification: Uncertain significance. Last evaluated: 2023-09-06. Review status: criteria provided, single submitter. Criteria: Invitae Variant Classification Sherloc (09022015). Collection method: clinical testing. Allele origin: germline.
Comment: This sequence change replaces serine, which is neutral and polar, with phenylalanine, which is neutral and non-polar, at codon 31 of the SIN3B protein (p.Ser31Phe). In summary, the available evidence is currently insufficient to determine the role of this variant in disease. Therefore, it has been classified as a Variant of Uncertain Significance. Experimental studies and prediction algorithms are not available or were not evaluated, and the functional significance of this variant is currently unknown. This variant has not been reported in the literature in individuals affected with SIN3B-related conditions. This variant is not present in population databases (gnomAD no frequency).

NM_001297595.2(SIN3B):c.92C>T (p.Ser31Phe)

Gene: SIN3B (SIN3 transcription regulator family member B; plus strand). Cytogenetic location: 19p13.11.
Variant type: single nucleotide variant.
Coding change: c.92C>T on transcript NM_001297595.2 (MANE Select); coding-DNA position 92, C replaced by T.
Protein change: p.Ser31Phe; replaces serine 31 with phenylalanine.
Molecular consequence: missense variant.
Genome position (GRCh38, 1-based): chr19:16,829,512, C>T. VCF-style: chr19-16829512-C-T. GRCh37 (hg19) VCF-style: chr19-16940323-C-T.
Other names: c.92C>T, p.Ser31Phe (NM_015260.4); short protein forms S31F.
Identifiers: ClinVar variation 2752222 (VCV002752222.3), dbSNP rs1971249953, ClinGen allele CA404636156.